The following is an entry in ClinVar:

ClinVar aggregate classification (germline): Uncertain significance (1 of 4 stars; one submission).

Allele frequency attached by ClinVar (database versions not stated): gnomAD exomes 0.00001; TOPMed 0.00001; gnomAD 0.00002; ExAC 0.00004.
gnomAD v4.1: 15 of 1,574,946 alleles (0.00095%); highest among the groups gnomAD compares: East Asian, 0.031%; no homozygotes.

Submission:

Labcorp Genetics (formerly Invitae), Labcorp
Classification: Uncertain significance. Last evaluated: 2023-09-27. Review status: criteria provided, single submitter. Criteria: Invitae Variant Classification Sherloc (09022015). Collection method: clinical testing. Allele origin: germline.
Comment: This variant has not been reported in the literature in individuals affected with DSCAML1-related conditions. In summary, the available evidence is currently insufficient to determine the role of this variant in disease. Therefore, it has been classified as a Variant of Uncertain Significance. An algorithm developed to predict the effect of missense changes on protein structure and function (PolyPhen-2) suggests that this variant is likely to be tolerated. The frequency data for this variant in the population databases is considered unreliable, as metrics indicate poor data quality at this position in the gnomAD database. This sequence change replaces serine, which is neutral and polar, with proline, which is neutral and non-polar, at codon 2107 of the DSCAML1 protein (p.Ser2107Pro).

NM_020693.4(DSCAML1):c.6139T>C (p.Ser2047Pro)

Gene: DSCAML1 (DS cell adhesion molecule like 1; minus strand). Cytogenetic location: 11q23.3.
Variant type: single nucleotide variant.
Coding change: c.6139T>C on transcript NM_020693.4 (MANE Select); coding-DNA position 6139, T replaced by C.
Protein change: p.Ser2047Pro; replaces serine 2047 with proline.
Molecular consequence: missense variant.
Genome position (GRCh38, 1-based): chr11:117,428,351, A>G on the plus strand (T>C on the coding strand, the complement: DSCAML1 is on the minus strand). VCF-style: chr11-117428351-A-G. GRCh37 (hg19) VCF-style: chr11-117299067-A-G.
Other names: short protein forms S2047P.
Identifiers: ClinVar variation 2739283 (VCV002739283.3), dbSNP rs764358636, ClinGen allele CA6295853.
Genomic context (GRCh38, chr11:117,428,351, plus strand): 5'-CGGCGCGGTCCAGGCGTGGCTGCTCTTCCTGCGGGCCCTACACCAGGGTGTAGGATTTGG[A>G]GTAGGCCCCGGCCCCCTGCTTCTGAGACCTCCCTACCCCCGATGTGCTCATCTCGAGAAG-3'
Protein context (NP_065744.3, residues 2037-2053): RSQKQGAGAY[Ser2047Pro]KSYTLV